The following is an entry in ClinVar:

ClinVar aggregate classification (germline): Likely benign (1 of 4 stars; one submission).

Allele frequency attached by ClinVar (database versions not stated): gnomAD exomes below 0.00001; TOPMed 0.00002 and 0.00001; gnomAD 0.00001.
gnomAD v4.1: 37 of 1,613,690 alleles (0.0023%); highest among the groups gnomAD compares: Non-Finnish European, 0.0031%; no homozygotes.

Submission:

GeneDx
Classification: Likely benign. Last evaluated: 2017-05-15. Review status: criteria provided, single submitter. Criteria: GeneDx Variant Classification (06012015). Collection method: clinical testing. Allele origin: germline. Affected: yes.
Comment: This variant is considered likely benign or benign based on one or more of the following criteria: it is a conservative change, it occurs at a poorly conserved position in the protein, it is predicted to be benign by multiple in silico algorithms, and/or has population frequency not consistent with disease.

NM_001743.6(CALM2):c.-11G>A

Gene: CALM2 (calmodulin 2; minus strand). Cytogenetic location: 2p21.
Variant type: single nucleotide variant.
Coding change: c.-11G>A on transcript NM_001743.6 (MANE Select); 11 bases upstream of the start codon, G replaced by A.
Molecular consequence: 5 prime UTR variant. On other transcripts: missense variant (1), intron variant (1).
Genome position (GRCh38, 1-based): chr2:47,176,454, C>T on the plus strand (G>A on the coding strand, the complement: CALM2 is on the minus strand). VCF-style: chr2-47176454-C-T. GRCh37 (hg19) VCF-style: chr2-47403593-C-T.
Other names: c.88G>A, p.Ala30Thr (NM_001305624.1); c.-106+395G>A (NM_001305625.2); short protein forms A30T.
Identifiers: ClinVar variation 509637 (VCV000509637.1), dbSNP rs765277820, ClinGen allele CA46706384.